The following is an entry in ClinVar:

NM_001184900.3(CARD8):c.1348+2dup

Gene: CARD8 (caspase recruitment domain family member 8; minus strand). Cytogenetic location: 19q13.33.
Variant type: Duplication.
Coding change: c.1348+2dup on transcript NM_001184900.3 (MANE Select); the canonical splice donor site of the intron after coding-DNA position 1348, one base duplicated (T; older notation c.1348+2dupT).
Molecular consequence: splice donor variant.
Genome position (GRCh38, 1-based): chr19:48,215,338, A duplicated on the plus strand (T on the coding strand, the reverse complement: CARD8 is on the minus strand). VCF-style (leftmost placement, unchanged base first): chr19-48215337-T-TA. GRCh37 (hg19) VCF-style: chr19-48718594-T-TA.
Other names: c.1033+2dup (NM_001351787.2, NM_001351784.2); c.*27+2dup (NM_001351791.2, NM_001351788.2, NM_001351789.2 and 4 more transcripts); c.1012+2dup (NM_001351786.2); c.1198+2dup (NM_014959.5, NM_001351783.2, NM_001184901.1); c.1348+2dup (NM_001351782.2); c.1030+2dup (NM_001365950.1).
Identifiers: ClinVar variation 2851437 (VCV002851437.3), dbSNP rs2039041286, ClinGen allele CA2339790454.

ClinVar aggregate classification (germline): Uncertain significance (1 of 4 stars; one submission).

Submission:

Labcorp Genetics (formerly Invitae), Labcorp
Classification: Uncertain significance. Last evaluated: 2023-04-01. Review status: criteria provided, single submitter. Criteria: Invitae Variant Classification Sherloc (09022015). Collection method: clinical testing. Allele origin: germline.
Comment: In summary, the available evidence is currently insufficient to determine the role of this variant in disease. Therefore, it has been classified as a Variant of Uncertain Significance. Variants that disrupt the consensus splice site are a relatively common cause of aberrant splicing (PMID: 17576681, 9536098). Algorithms developed to predict the effect of sequence changes on RNA splicing suggest that this variant may disrupt the consensus splice site. This variant has not been reported in the literature in individuals affected with CARD8-related conditions. This variant is not present in population databases (gnomAD no frequency). This sequence change falls in intron 11 of the CARD8 gene. It does not directly change the encoded amino acid sequence of the CARD8 protein. It affects a nucleotide within the consensus splice site.

Literature cited by the submitters: PubMed 17576681; PubMed 9536098.